The following is an entry in ClinVar:

ClinVar aggregate classification (germline): Conflicting classifications of pathogenicity. Review status: criteria provided, conflicting classifications (1 of 4 stars). 2 submissions from 2 submitters: Uncertain significance (1); Likely benign (1). Last evaluated 2024-09-20.

Conditions:
Rubinstein-Taybi syndrome due to EP300 haploinsufficiency. Also called: RUBINSTEIN-TAYBI SYNDROME 2; EP300-Related Rubinstein-Taybi Syndrome. Identifiers: Orphanet 353284, Orphanet 783, MedGen C3150941, MONDO:0013364, OMIM 613684.
Colorectal cancer. Also called: Colorectal cancer, somatic; Malignant Colorectal Neoplasm. Identifiers: MedGen C0346629, MONDO:0005575, OMIM 114500.
Menke-Hennekam syndrome 2 (MKHK2). Identifiers: MedGen C5193035, MONDO:0020769, OMIM 618333.

Submissions (2):

3billion
Classification: Likely benign for Rubinstein-Taybi syndrome due to EP300 haploinsufficiency; Colorectal cancer; Menke-Hennekam syndrome 2. Last evaluated: 2024-09-20. Review status: criteria provided, single submitter. Criteria: ACMG Guidelines, 2015. Collection method: clinical testing. Allele origin: germline. Affected: no.
Comment: The variant was identified in at least one patient who was diagnosed with a different variant in another gene and showed no symptoms related to the gene containing the variant in question.

Labcorp Genetics (formerly Invitae), Labcorp
Classification: Uncertain significance for Rubinstein-Taybi syndrome due to EP300 haploinsufficiency. Last evaluated: 2021-03-27. Review status: criteria provided, single submitter. Criteria: Invitae Variant Classification Sherloc (09022015). Collection method: clinical testing. Allele origin: germline.
Comment: In summary, the available evidence is currently insufficient to determine the role of this variant in disease. Therefore, it has been classified as a Variant of Uncertain Significance. Advanced modeling of protein sequence and biophysical properties (such as structural, functional, and spatial information, amino acid conservation, physicochemical variation, residue mobility, and thermodynamic stability) performed at Invitae indicates that this missense variant is not expected to disrupt EP300 protein function. This variant has not been reported in the literature in individuals with EP300-related conditions. This variant is not present in population databases (ExAC no frequency). This sequence change replaces alanine with serine at codon 1586 of the EP300 protein (p.Ala1586Ser). The alanine residue is highly conserved and there is a moderate physicochemical difference between alanine and serine.

NM_001429.4(EP300):c.4756G>T (p.Ala1586Ser)

Gene: EP300 (EP300 lysine acetyltransferase; plus strand). Cytogenetic location: 22q13.2.
Variant type: single nucleotide variant.
Coding change: c.4756G>T on transcript NM_001429.4 (MANE Select); coding-DNA position 4756, G replaced by T.
Protein change: p.Ala1586Ser; replaces alanine 1586 with serine.
Molecular consequence: missense variant.
Genome position (GRCh38, 1-based): chr22:41,173,761, G>T. VCF-style: chr22-41173761-G-T. GRCh37 (hg19) VCF-style: chr22-41569765-G-T.
Other names: c.4678G>T, p.Ala1560Ser (NM_001362843.2); short protein forms A1560S, A1586S.
Identifiers: ClinVar variation 1476622 (VCV001476622.9), dbSNP rs1480723806, ClinGen allele CA411705469.